The following is an entry in ClinVar:

ClinVar aggregate classification (germline): Benign/Likely benign. Review status: criteria provided, multiple submitters, no conflicts (2 of 4 stars). 11 submissions from 11 submitters: Benign (3); Likely benign (4). 4 of the submissions do not count toward it. Last evaluated 2026-02-02.

Conditions:
Inborn genetic diseases. Identifiers: MedGen C0950123, MeSH D030342.
Niemann-Pick disease, type C1. Also called: NIEMANN-PICK DISEASE, VARIANT TYPE C1; NEUROVISCERAL STORAGE DISEASE WITH VERTICAL SUPRANUCLEAR OPHTHALMOPLEGIA; NIEMANN-PICK DISEASE WITH CHOLESTEROL ESTERIFICATION BLOCK; NIEMANN-PICK DISEASE WITHOUT SPHINGOMYELINASE DEFICIENCY; NIEMANN-PICK DISEASE, CHRONIC NEURONOPATHIC FORM. Identifiers: Orphanet 646, MedGen C3179455, MONDO:0009757, OMIM 257220.

Allele frequency attached by ClinVar (database versions not stated): ExAC 0.00123; 1000 Genomes Project 0.00260; 1000 Genomes Project 30x 0.00281; TOPMed 0.00363; gnomAD 0.00373; ESP Exome Variant Server 0.00484.
gnomAD v4.1: 1,444 of 1,613,406 alleles (0.09%); highest among the groups gnomAD compares: African/African-American, 1.1%; 7 homozygotes.

Submissions (11):

Labcorp Genetics (formerly Invitae), Labcorp
Classification: Benign for Niemann-Pick disease, type C1. Last evaluated: 2026-02-02. Review status: criteria provided, single submitter. Criteria: Invitae Variant Classification Sherloc (09022015). Collection method: clinical testing. Allele origin: germline.

CeGaT Center for Human Genetics Tuebingen
Classification: Likely benign. Last evaluated: 2025-08-01. Review status: criteria provided, single submitter. Criteria: CeGaT Center For Human Genetics Tuebingen Variant Classification Criteria Version 2. Collection method: clinical testing. Allele origin: germline. Affected: yes. Observed: 1 variant allele.
Comment: NPC1: BP4, BP7, BS1

Blueprint Genetics
Classification: Likely benign. Last evaluated: 2024-11-25. Review status: criteria provided, single submitter. Criteria: ACMG Guidelines, 2015. Collection method: clinical testing. Allele origin: germline.

Ambry Genetics
Classification: Likely benign for Inborn genetic diseases. Last evaluated: 2022-06-14. Review status: criteria provided, single submitter. Criteria: Ambry Variant Classification Scheme 2023. Collection method: clinical testing. Allele origin: germline.

GeneDx
Classification: Likely benign. Last evaluated: 2020-03-24. Review status: criteria provided, single submitter. Criteria: GeneDx Variant Classification Process June 2021. Collection method: clinical testing. Allele origin: germline. Affected: yes.

Clinical Genetics DNA and cytogenetics Diagnostics Lab, Erasmus MC, Erasmus Medical Center
Classification: Benign for Niemann-Pick disease, type C1. Last evaluated: 2017-06-30. Review status: criteria provided, single submitter. Criteria: ACGS Guidelines, 2013. Collection method: clinical testing. Allele origin: germline. Affected: yes. Study: VKGL Data-share Consensus.

Illumina Laboratory Services, Illumina
Classification: Benign for Niemann-Pick disease type C1. Last evaluated: 2017-04-27. Review status: criteria provided, single submitter. Criteria: ICSL Variant Classification Criteria 13 December 2019. Collection method: clinical testing. Allele origin: germline.
Comment: This variant was observed as part of a predisposition screen in an ostensibly healthy population. A literature search was performed for the gene, cDNA change, and amino acid change (where applicable). No publications were found based on this search. Allele frequency data from public databases was too high to be consistent with this variant causing disease. Therefore, this variant is classified as benign.

Mayo Clinic Laboratories, Mayo Clinic
Classification: Likely benign. Last evaluated: 2017-08-31. Review status: no assertion criteria provided. Collection method: clinical testing. Allele origin: unknown. Not counted in ClinVar's aggregate classification.

Genome Diagnostics Laboratory, Amsterdam University Medical Center
Classification: Likely benign for Niemann-Pick disease, type C1. Last evaluated: 2017-05-22. Review status: no assertion criteria provided. Criteria: ACGS Guidelines, 2013. Collection method: clinical testing. Allele origin: germline. Affected: yes. Study: VKGL Data-share Consensus. Not counted in ClinVar's aggregate classification.

Clinical Genetics, Academic Medical Center
Classification: Likely benign. Review status: no assertion criteria provided. Collection method: clinical testing. Allele origin: germline. Affected: yes. Study: VKGL Data-share Consensus. Not counted in ClinVar's aggregate classification.

Diagnostic Laboratory, Department of Genetics, University Medical Center Groningen
Classification: Benign for Niemann-Pick disease, type C1. Review status: no assertion criteria provided. Collection method: clinical testing. Allele origin: germline. Affected: yes. Study: VKGL Data-share Consensus. Not counted in ClinVar's aggregate classification.

NM_000271.5(NPC1):c.3450C>T (p.Asn1150=)

Gene: NPC1 (NPC intracellular cholesterol transporter 1; minus strand). Cytogenetic location: 18q11.2.
Variant type: single nucleotide variant.
Coding change: c.3450C>T on transcript NM_000271.5 (MANE Select); coding-DNA position 3450, C replaced by T.
Protein change: p.Asn1150=; no amino-acid change (asparagine 1150 retained).
Molecular consequence: synonymous variant.
Genome position (GRCh38, 1-based): chr18:23,535,496, G>A on the plus strand (C>T on the coding strand, the complement: NPC1 is on the minus strand). VCF-style: chr18-23535496-G-A. GRCh37 (hg19) VCF-style: chr18-21115460-G-A.
Identifiers: ClinVar variation 508626 (VCV000508626.34), dbSNP rs34715591, ClinGen allele CA8912774.